The following is an entry in ClinVar:

NM_002485.5(NBN):c.1460G>A (p.Cys487Tyr)

Gene: NBN (nibrin; minus strand). Cytogenetic location: 8q21.3.
Variant type: single nucleotide variant.
Coding change: c.1460G>A on transcript NM_002485.5 (MANE Select); coding-DNA position 1460, G replaced by A.
Protein change: p.Cys487Tyr; replaces cysteine 487 with tyrosine.
Molecular consequence: missense variant.
Genome position (GRCh38, 1-based): chr8:89,953,629, C>T on the plus strand (G>A on the coding strand, the complement: NBN is on the minus strand). VCF-style: chr8-89953629-C-T. GRCh37 (hg19) VCF-style: chr8-90965857-C-T.
Other names: c.1214G>A, p.Cys405Tyr (NM_001024688.3); short protein forms C487Y, C405Y.
Identifiers: ClinVar variation 141926 (VCV000141926.13), dbSNP rs587782118, ClinGen allele CA166803.
Genomic context (GRCh38, chr8:89,953,629, plus strand): 5'-TGCTGCTCCTTATTTTTCCACAATGAGGGTGTAGCAGGTTGTGTTTGTTCTAAAAGAGAA[C>T]AAGACGTTTCTATTCTTGCTGATTTGCATGAAGACATTTCTTGATTTTCTTCATCCCTTT-3'
Protein context (NP_002476.2, residues 477-497): SCKSARIETS[Cys487Tyr]SLLEQTQPAT

ClinVar aggregate classification (germline): Uncertain significance. Review status: criteria provided, multiple submitters, no conflicts (2 of 4 stars). 3 submissions from 3 submitters: Uncertain significance (3). Last evaluated 2025-10-23.

Conditions:
Hereditary cancer-predisposing syndrome. Also called: Neoplastic Syndromes, Hereditary; Hereditary Cancer Syndrome; Hereditary neoplastic syndrome; Tumor predisposition. Identifiers: Orphanet 140162, MedGen C0027672, MeSH D009386, MONDO:0015356.
Aplastic anemia. Identifiers: Orphanet 182040, Orphanet 88, MedGen C0002874, MONDO:0015909, OMIM 609135, HP:0001915.
Microcephaly, normal intelligence and immunodeficiency (NBS). Also called: Immunodeficiency, microcephaly with normal intelligence; SEEMANOVA SYNDROME II; Nijmegen breakage syndrome; Microcephaly with normal intelligence immunodeficiency and lymphoreticular malignancies; Nonsyndromal microcephaly autosomal recessive with normal intelligence; Seemanova syndrome 2. Identifiers: Orphanet 647, MedGen C0398791, MONDO:0009623, OMIM 251260.
Acute lymphoid leukemia (ALL). Also called: Acute lymphoblastic leukemia; Acute lymphocytic leukemia; Leukemia, acute lymphoblastic, somatic; Lymphoblastic leukemia. Identifiers: Orphanet 513, MedGen C0023449, MONDO:0004967, OMIM 613065, HP:0006721.

Submissions (3):

Ambry Genetics
Classification: Uncertain significance for Hereditary cancer-predisposing syndrome. Last evaluated: 2025-10-23. Review status: criteria provided, single submitter. Criteria: Ambry Variant Classification Scheme 2023. Collection method: clinical testing. Allele origin: germline.
Comment: The p.C487Y variant (also known as c.1460G>A), located in coding exon 11 of the NBN gene, results from a G to A substitution at nucleotide position 1460. The cysteine at codon 487 is replaced by tyrosine, an amino acid with highly dissimilar properties. This amino acid position is well conserved in available vertebrate species. In addition, this alteration is predicted to be tolerated by in silico analysis. Since supporting evidence is limited at this time, the clinical significance of this alteration remains unclear.

Fulgent Genetics
Classification: Uncertain significance for Microcephaly, normal intelligence and immunodeficiency; Aplastic anemia; Acute lymphoid leukemia. Last evaluated: 2024-01-23. Review status: criteria provided, single submitter. Criteria: ACMG Guidelines, 2015. Collection method: clinical testing. Allele origin: germline.

Labcorp Genetics (formerly Invitae), Labcorp
Classification: Uncertain significance for Microcephaly, normal intelligence and immunodeficiency. Last evaluated: 2021-10-26. Review status: criteria provided, single submitter. Criteria: Invitae Variant Classification Sherloc (09022015). Collection method: clinical testing. Allele origin: germline.
Comment: ClinVar contains an entry for this variant (Variation ID: 141926). Algorithms developed to predict the effect of missense changes on protein structure and function (SIFT, PolyPhen-2, Align-GVGD) all suggest that this variant is likely to be tolerated. In summary, the available evidence is currently insufficient to determine the role of this variant in disease. Therefore, it has been classified as a Variant of Uncertain Significance. This sequence change replaces cysteine with tyrosine at codon 487 of the NBN protein (p.Cys487Tyr). The cysteine residue is weakly conserved and there is a large physicochemical difference between cysteine and tyrosine. This variant is not present in population databases (ExAC no frequency). This variant has not been reported in the literature in individuals affected with NBN-related conditions.